The following is an entry in ClinVar:

NM_007078.3(LDB3):c.1895C>G (p.Thr632Ser)

Gene: LDB3 (LIM domain binding 3; plus strand). Cytogenetic location: 10q23.2.
Variant type: single nucleotide variant.
Coding change: c.1895C>G on transcript NM_007078.3 (MANE Select); coding-DNA position 1895, C replaced by G.
Protein change: p.Thr632Ser; replaces threonine 632 with serine.
Molecular consequence: missense variant.
Genome position (GRCh38, 1-based): chr10:86,718,764, C>G. VCF-style: chr10-86718764-C-G. GRCh37 (hg19) VCF-style: chr10-88478521-C-G.
Other names: c.1565C>G, p.Thr522Ser (NM_001080114.2); c.1910C>G, p.Thr637Ser (NM_001171610.2); c.1706C>G, p.Thr569Ser (NM_001368064.1, NM_001368065.1); c.1754C>G, p.Thr585Ser (NM_001368066.1); short protein forms T522S, T632S, T637S, T569S, T585S.
Identifiers: ClinVar variation 1495775 (VCV001495775.6), dbSNP rs1195333947, ClinGen allele CA377453786.

ClinVar aggregate classification (germline): Uncertain significance (1 of 4 stars; one submission).

Conditions:
Myofibrillar myopathy 4. Also called: Zaspopathy (type). Identifiers: Orphanet 98912, MedGen C4721886, MONDO:0012277, OMIM 609452.

Submission:

Labcorp Genetics (formerly Invitae), Labcorp
Classification: Uncertain significance for Myofibrillar myopathy 4. Last evaluated: 2021-03-24. Review status: criteria provided, single submitter. Criteria: Invitae Variant Classification Sherloc (09022015). Collection method: clinical testing. Allele origin: germline.
Comment: In summary, the available evidence is currently insufficient to determine the role of this variant in disease. Therefore, it has been classified as a Variant of Uncertain Significance. Experimental studies and prediction algorithms are not available or were not evaluated, and the functional significance of this variant is currently unknown. This variant has not been reported in the literature in individuals with LDB3-related conditions. This variant is not present in population databases (ExAC no frequency). This sequence change replaces threonine with serine at codon 632 of the LDB3 protein (p.Thr632Ser). The LDB3 gene has multiple clinically relevant transcripts. This variant occurs in alternate transcript NM_007078.3, and corresponds to NM_001080116.1:c.*19390C>G in the primary transcript.